The following is an entry in ClinVar:

NM_024928.5(STN1):c.793A>C (p.Ser265Arg)

Gene: STN1 (STN1 subunit of CST complex; minus strand). Cytogenetic location: 10q24.33.
Variant type: single nucleotide variant.
Coding change: c.793A>C on transcript NM_024928.5 (MANE Select); coding-DNA position 793, A replaced by C.
Protein change: p.Ser265Arg; replaces serine 265 with arginine.
Molecular consequence: missense variant.
Genome position (GRCh38, 1-based): chr10:103,892,213, T>G on the plus strand (A>C on the coding strand, the complement: STN1 is on the minus strand). VCF-style: chr10-103892213-T-G. GRCh37 (hg19) VCF-style: chr10-105651971-T-G.
Other names: short protein forms S265R.
Identifiers: ClinVar variation 728880 (VCV000728880.17), dbSNP rs74157365, ClinGen allele CA5676501.

ClinVar aggregate classification (germline): Conflicting classifications of pathogenicity. Review status: criteria provided, conflicting classifications (1 of 4 stars). 5 submissions from 5 submitters: Uncertain significance (2); Likely benign (2). 1 of the submissions does not count toward it. Last evaluated 2026-01-22.

Conditions:
STN1-related disorder. Also called: STN1-related condition.
Inborn genetic diseases. Identifiers: MedGen C0950123, MeSH D030342.
Cerebroretinal microangiopathy with calcifications and cysts 2 (CRMCC2). Identifiers: MedGen C4479220, MONDO:0015026, OMIM 617341.

Allele frequency attached by ClinVar (database versions not stated): gnomAD exomes 0.00013 and 0.00043; ExAC 0.00059; gnomAD 0.00145 and 0.00150; TOPMed 0.00153; 1000 Genomes Project 0.00200; 1000 Genomes Project 30x 0.00203; ESP Exome Variant Server 0.00223.
gnomAD v4.1: 424 of 1,606,016 alleles (0.026%); highest among the groups gnomAD compares: African/African-American, 0.5%; no homozygotes.

Submissions (5):

Labcorp Genetics (formerly Invitae), Labcorp
Classification: Likely benign. Last evaluated: 2026-01-22. Review status: criteria provided, single submitter. Criteria: Invitae Variant Classification Sherloc (09022015). Collection method: clinical testing. Allele origin: germline.

Ambry Genetics
Classification: Uncertain significance for Inborn genetic diseases. Last evaluated: 2025-06-19. Review status: criteria provided, single submitter. Criteria: Ambry Variant Classification Scheme 2023. Collection method: clinical testing. Allele origin: germline.

Blueprint Genetics
Classification: Likely benign. Last evaluated: 2023-06-20. Review status: criteria provided, single submitter. Criteria: ACMG Guidelines, 2015. Collection method: clinical testing. Allele origin: germline.

Revvity Omics, Revvity
Classification: Uncertain significance for Cerebroretinal microangiopathy with calcifications and cysts 2. Last evaluated: 2023-01-03. Review status: criteria provided, single submitter. Criteria: ACMG Guidelines, 2015. Collection method: clinical testing. Allele origin: germline.

PreventionGenetics, part of Exact Sciences
Classification: Likely benign for STN1-related condition. Last evaluated: 2022-03-30. Review status: no assertion criteria provided. Collection method: clinical testing. Allele origin: germline. Not counted in ClinVar's aggregate classification.
Comment: This variant is classified as likely benign based on ACMG/AMP sequence variant interpretation guidelines (Richards et al. 2015 PMID: 25741868, with internal and published modifications).